The following is an entry in ClinVar:

NM_001164508.2(NEB):c.78+6G>A

Gene: NEB (nebulin; minus strand). Cytogenetic location: 2q23.3.
Variant type: single nucleotide variant.
Coding change: c.78+6G>A on transcript NM_001164508.2 (MANE Select); 6 bases into the intron after coding-DNA position 78, G replaced by A.
Molecular consequence: intron variant.
Genome position (GRCh38, 1-based): chr2:151,729,609, C>T on the plus strand (G>A on the coding strand, the complement: NEB is on the minus strand). VCF-style: chr2-151729609-C-T. GRCh37 (hg19) VCF-style: chr2-152586123-C-T.
Other names: c.78+6G>A (NM_004543.5, NM_001164507.2, NM_001271208.2 and 1 more transcripts).
Identifiers: ClinVar variation 1010144 (VCV001010144.7), dbSNP rs376085885, ClinGen allele CA1912011.

ClinVar aggregate classification (germline): Uncertain significance. Review status: criteria provided, multiple submitters, no conflicts (2 of 4 stars). 3 submissions from 3 submitters: Uncertain significance (2). 1 of the submissions does not count toward it. Last evaluated 2023-05-05.

Conditions:
Nemaline myopathy 2 (NEM2). Also called: Nemaline myopathy 2, autosomal recessive. Identifiers: MedGen C1850569, MONDO:0009725, OMIM 256030.

Allele frequency attached by ClinVar (database versions not stated): gnomAD exomes 0.00001 and 0.00002; ExAC 0.00002; gnomAD 0.00006; TOPMed 0.00006; ESP Exome Variant Server 0.00008.
gnomAD v4.1: 25 of 1,612,988 alleles (0.0015%); highest among the groups gnomAD compares: African/African-American, 0.019%; no homozygotes.

Submissions (3):

Women's Health and Genetics/Laboratory Corporation of America, LabCorp
Classification: Uncertain significance. Last evaluated: 2023-05-05. Review status: criteria provided, single submitter. Criteria: LabCorp Variant Classification Summary - May 2015. Collection method: clinical testing. Allele origin: germline.

Labcorp Genetics (formerly Invitae), Labcorp
Classification: Uncertain significance for Nemaline myopathy 2. Last evaluated: 2022-08-16. Review status: criteria provided, single submitter. Criteria: Invitae Variant Classification Sherloc (09022015). Collection method: clinical testing. Allele origin: germline.
Comment: This sequence change falls in intron 4 of the NEB gene. It does not directly change the encoded amino acid sequence of the NEB protein. It affects a nucleotide within the consensus splice site. This variant is present in population databases (rs376085885, gnomAD 0.02%). This variant has not been reported in the literature in individuals affected with NEB-related conditions. ClinVar contains an entry for this variant (Variation ID: 1010144). Variants that disrupt the consensus splice site are a relatively common cause of aberrant splicing (PMID: 17576681, 9536098). Algorithms developed to predict the effect of sequence changes on RNA splicing suggest that this variant is not likely to affect RNA splicing. In summary, the available evidence is currently insufficient to determine the role of this variant in disease. Therefore, it has been classified as a Variant of Uncertain Significance.

Natera, Inc.
Classification: Uncertain significance for Nemaline myopathy type 2. Last evaluated: 2021-03-19. Review status: no assertion criteria provided. Collection method: clinical testing. Allele origin: germline. Not counted in ClinVar's aggregate classification.

Literature cited by the submitters: PubMed 17576681 (cited by Labcorp Genetics (formerly Invitae), Labcorp); PubMed 9536098 (cited by Labcorp Genetics (formerly Invitae), Labcorp).